The following is an entry in ClinVar:

ClinVar aggregate classification (germline): Likely benign. Review status: criteria provided, multiple submitters, no conflicts (2 of 4 stars). 3 submissions from 3 submitters: Likely benign (3). Last evaluated 2026-01-09.

Conditions:
Kostmann syndrome (SCN3). Also called: KOSTMANN DISEASE; Autosomal recessive severe congenital neutropenia type 3. Identifiers: Orphanet 99749, MedGen C5235141, MONDO:0012548, OMIM 610738.

Allele frequency attached by ClinVar (database versions not stated): ESP Exome Variant Server 0.00008; gnomAD 0.00010; ExAC 0.00022; TOPMed 0.00023; 1000 Genomes Project 30x 0.00047; 1000 Genomes Project 0.00060.
gnomAD v4.1: 286 of 1,599,754 alleles (0.018%); highest among the groups gnomAD compares: East Asian, 0.078%; no homozygotes.

Submissions (3):

Labcorp Genetics (formerly Invitae), Labcorp
Classification: Likely benign for Kostmann syndrome. Last evaluated: 2026-01-09. Review status: criteria provided, single submitter. Criteria: Invitae Variant Classification Sherloc (09022015). Collection method: clinical testing. Allele origin: germline.

Blueprint Genetics
Classification: Likely benign. Last evaluated: 2024-11-26. Review status: criteria provided, single submitter. Criteria: ACMG Guidelines, 2015. Collection method: clinical testing. Allele origin: germline.

GeneDx
Classification: Likely benign. Last evaluated: 2016-10-15. Review status: criteria provided, single submitter. Criteria: GeneDx Variant Classification (06012015). Collection method: clinical testing. Allele origin: germline. Affected: yes.
Comment: This variant is considered likely benign or benign based on one or more of the following criteria: it is a conservative change, it occurs at a poorly conserved position in the protein, it is predicted to be benign by multiple in silico algorithms, and/or has population frequency not consistent with disease.

NM_006118.4(HAX1):c.505-14G>C

Gene: HAX1 (HCLS1 associated protein X-1; plus strand). Cytogenetic location: 1q21.3.
Variant type: single nucleotide variant.
Coding change: c.505-14G>C on transcript NM_006118.4 (MANE Select); 14 bases into the intron before coding-DNA position 505, G replaced by C.
Molecular consequence: intron variant.
Genome position (GRCh38, 1-based): chr1:154,274,936, G>C. VCF-style: chr1-154274936-G-C. GRCh37 (hg19) VCF-style: chr1-154247412-G-C.
Other names: c.361-14G>C (NM_001018837.2).
Identifiers: ClinVar variation 390249 (VCV000390249.11), dbSNP rs200863707, ClinGen allele CA1127369.